The following is an entry in ClinVar:

NM_001195263.2(PDZD7):c.1760A>T (p.Glu587Val)

Gene: PDZD7 (PDZ domain containing 7; minus strand). Cytogenetic location: 10q24.31.
Variant type: single nucleotide variant.
Coding change: c.1760A>T on transcript NM_001195263.2 (MANE Select); coding-DNA position 1760, A replaced by T.
Protein change: p.Glu587Val; replaces glutamic acid 587 with valine.
Molecular consequence: missense variant.
Genome position (GRCh38, 1-based): chr10:101,012,248, T>A on the plus strand (A>T on the coding strand, the complement: PDZD7 is on the minus strand). VCF-style: chr10-101012248-T-A. GRCh37 (hg19) VCF-style: chr10-102772005-T-A.
Other names: short protein forms E587V.
Identifiers: ClinVar variation 1053342 (VCV001053342.7), dbSNP rs2134005900, ClinGen allele CA378226672.

ClinVar aggregate classification (germline): Uncertain significance (1 of 4 stars; one submission).

Submission:

Labcorp Genetics (formerly Invitae), Labcorp
Classification: Uncertain significance. Last evaluated: 2023-07-07. Review status: criteria provided, single submitter. Criteria: Invitae Variant Classification Sherloc (09022015). Collection method: clinical testing. Allele origin: germline.
Comment: This sequence change replaces glutamic acid, which is acidic and polar, with valine, which is neutral and non-polar, at codon 587 of the PDZD7 protein (p.Glu587Val). This variant is not present in population databases (gnomAD no frequency). This variant has not been reported in the literature in individuals affected with PDZD7-related conditions. ClinVar contains an entry for this variant (Variation ID: 1053342). Advanced modeling of protein sequence and biophysical properties (such as structural, functional, and spatial information, amino acid conservation, physicochemical variation, residue mobility, and thermodynamic stability) performed at Invitae indicates that this missense variant is not expected to disrupt PDZD7 protein function. In summary, the available evidence is currently insufficient to determine the role of this variant in disease. Therefore, it has been classified as a Variant of Uncertain Significance.